The following is an entry in ClinVar:

ClinVar aggregate classification (germline): Uncertain significance. Review status: criteria provided, multiple submitters, no conflicts (2 of 4 stars). 5 submissions from 5 submitters: Uncertain significance (5). Last evaluated 2025-09-23.

Conditions:
Retinal dystrophy. Also called: Inherited retinal dystrophy. Identifiers: Orphanet 71862, MedGen C0854723, MeSH D058499, MONDO:0019118, HP:0000556.
ABCA4-related disorder. Also called: ABCA4-related condition; ABCA4-related disorders. Identifiers: MedGen CN239167.

Allele frequency attached by ClinVar (database versions not stated): gnomAD 0.00004 and 0.00006; TOPMed 0.00006; ESP Exome Variant Server 0.00008; 1000 Genomes Project 30x 0.00016; gnomAD exomes 0.00018 and 0.00025; 1000 Genomes Project 0.00020; ExAC 0.00031.
gnomAD v4.1: 276 of 1,614,064 alleles (0.017%); highest among the groups gnomAD compares: South Asian, 0.12%; no homozygotes.

Submissions (5):

PreventionGenetics, part of Exact Sciences
Classification: Uncertain significance for ABCA4-related condition. Last evaluated: 2025-09-23. Review status: criteria provided, single submitter. Criteria: ACMG Guidelines, 2015. Collection method: clinical testing. Allele origin: germline.
Comment: The ABCA4 c.3830C>T variant is predicted to result in the amino acid substitution p.Thr1277Met. This variant has been reported in individuals with ABCA4-related retinal disease (Lee et al. 2017. PubMed ID: 28327576; Raj et al. 2020. PubMed ID: 31934596); in one case, the variant was found to be in cis with another well-established pathogenic ABCA4 variant (p.Ala60Va; Lee et al. 2017. PubMed ID: 28327576). A study on variant severity has classified this variant as benign (Table S2, Cornelis et al. 2022. PubMed ID: 35120629). This variant is reported in 0.16% of alleles in individuals of South Asian descent in gnomAD. Although we suspect that this variant may be benign, at this time, the clinical significance of this variant is uncertain due to the absence of conclusive functional and genetic evidence.

Blueprint Genetics
Classification: Uncertain significance. Last evaluated: 2024-10-25. Review status: criteria provided, single submitter. Criteria: ACMG Guidelines, 2015. Collection method: clinical testing. Allele origin: germline.

Labcorp Genetics (formerly Invitae), Labcorp
Classification: Uncertain significance. Last evaluated: 2024-10-23. Review status: criteria provided, single submitter. Criteria: Invitae Variant Classification Sherloc (09022015). Collection method: clinical testing. Allele origin: germline.
Comment: This sequence change replaces threonine, which is neutral and polar, with methionine, which is neutral and non-polar, at codon 1277 of the ABCA4 protein (p.Thr1277Met). This variant is present in population databases (rs374565343, gnomAD 0.2%). This missense change has been observed in individual(s) with ABCA4-related conditions (PMID: 28327576, 31934596). ClinVar contains an entry for this variant (Variation ID: 848188). Invitae Evidence Modeling of protein sequence and biophysical properties (such as structural, functional, and spatial information, amino acid conservation, physicochemical variation, residue mobility, and thermodynamic stability) indicates that this missense variant is expected to disrupt ABCA4 protein function with a positive predictive value of 80%. In summary, the available evidence is currently insufficient to determine the role of this variant in disease. Therefore, it has been classified as a Variant of Uncertain Significance.

CeGaT Center for Human Genetics Tuebingen
Classification: Uncertain significance. Last evaluated: 2021-05-01. Review status: criteria provided, single submitter. Criteria: CeGaT Center For Human Genetics Tuebingen Variant Classification Criteria Version 2. Collection method: clinical testing. Allele origin: germline. Affected: yes. Observed: 1 variant allele.

Institute of Human Genetics, Univ. Regensburg, Univ. Regensburg
Classification: Uncertain significance for Retinal dystrophy. Last evaluated: 2020-01-01. Review status: criteria provided, single submitter. Criteria: ACMG Guidelines, 2015. Collection method: clinical testing. Allele origin: germline. Affected: yes.

Literature cited by the submitters: PubMed 28327576 (cited by Labcorp Genetics (formerly Invitae), Labcorp and Institute of Human Genetics, Univ. Regensburg, Univ. Regensburg); PubMed 31934596 (cited by Labcorp Genetics (formerly Invitae), Labcorp); PubMed 3193459 (cited by Institute of Human Genetics, Univ. Regensburg, Univ. Regensburg).

NM_000350.3(ABCA4):c.3830C>T (p.Thr1277Met)

Genes: ABCA4 (ATP binding cassette subfamily A member 4; minus strand), LOC126805794 (BRD4-independent group 4 enhancer GRCh37_chr1:94502188-94503387; plus strand). Cytogenetic location: 1p22.1.
Variant type: single nucleotide variant.
Coding change: c.3830C>T on transcript NM_000350.3 (MANE Select); coding-DNA position 3830, C replaced by T.
Protein change: p.Thr1277Met; replaces threonine 1277 with methionine.
Molecular consequence: missense variant.
Genome position (GRCh38, 1-based): chr1:94,036,772, G>A on the plus strand (C>T on the coding strand, the complement: ABCA4 is on the minus strand). VCF-style: chr1-94036772-G-A. GRCh37 (hg19) VCF-style: chr1-94502328-G-A.
Other names: c.3608C>T, p.Thr1203Met (NM_001425324.1); short protein forms T1277M, T1203M.
Identifiers: ClinVar variation 848188 (VCV000848188.44), dbSNP rs374565343, ClinGen allele CA957812.